The following is an entry in ClinVar:

ClinVar aggregate classification (germline): Pathogenic/Likely pathogenic. Review status: criteria provided, multiple submitters, no conflicts (2 of 4 stars). 2 submissions from 2 submitters: Pathogenic (1); Likely pathogenic (1). Last evaluated 2022-03-06.

Conditions:
Sandhoff disease. Also called: Beta-hexosaminidase-beta-subunit deficiency; GM2 gangliosidosis, type 2; Total hexosaminidase deficiency; Sandhoff-Jatzkewitz-Pilz disease; GM2-GANGLIOSIDOSIS, TYPE II; HEXOSAMINIDASES A AND B DEFICIENCY. Identifiers: Orphanet 796, MedGen C0036161, MONDO:0010006, OMIM 268800.

Submissions (2):

Myriad Genetics, Inc.
Classification: Likely pathogenic for Sandhoff disease. Last evaluated: 2022-03-06. Review status: criteria provided, single submitter. Criteria: Myriad Women's Health Autosomal Recessive and X-Linked Classification Criteria (2021). Collection method: clinical testing. Allele origin: unknown.
Comment: NM_000521.3(HEXB):c.452T>A(L151*) is expected to be pathogenic in the context of Sandhoff disease. This variant is predicted to lead to an abnormal or absent protein product due to the creation of a premature termination codon in HEXB, a gene where loss-of-function variants are known to be pathogenic. Please note: this variant was assessed in the context of healthy population screening.

Labcorp Genetics (formerly Invitae), Labcorp
Classification: Pathogenic for Sandhoff disease. Last evaluated: 2021-07-13. Review status: criteria provided, single submitter. Criteria: Invitae Variant Classification Sherloc (09022015). Collection method: clinical testing. Allele origin: germline.
Comment: This sequence change creates a premature translational stop signal (p.Leu151*) in the HEXB gene. It is expected to result in an absent or disrupted protein product. Loss-of-function variants in HEXB are known to be pathogenic (PMID: 7550345, 18758829). This variant is not present in population databases (ExAC no frequency). This variant has not been reported in the literature in individuals affected with HEXB-related conditions. For these reasons, this variant has been classified as Pathogenic.

Literature cited by the submitters: PubMed 7550345 (cited by Labcorp Genetics (formerly Invitae), Labcorp); PubMed 18758829 (cited by Labcorp Genetics (formerly Invitae), Labcorp).

NM_000521.4(HEXB):c.452T>A (p.Leu151Ter)

Gene: HEXB (hexosaminidase subunit beta; plus strand). Cytogenetic location: 5q13.3.
Variant type: single nucleotide variant.
Coding change: c.452T>A on transcript NM_000521.4 (MANE Select); coding-DNA position 452, T replaced by A.
Protein change: p.Leu151Ter; replaces leucine 151 with a stop codon.
Molecular consequence: nonsense. On other transcripts: 5 prime UTR variant (1).
Genome position (GRCh38, 1-based): chr5:74,693,645, T>A. VCF-style: chr5-74693645-T-A. GRCh37 (hg19) VCF-style: chr5-73989470-T-A.
Other names: c.-224T>A (NM_001292004.2); short protein forms L151*.
Identifiers: ClinVar variation 1375497 (VCV001375497.8), dbSNP rs2112135868, ClinGen allele CA360063413.